The following is an entry in ClinVar:

NM_138694.4(PKHD1):c.8678A>T (p.His2893Leu)

Gene: PKHD1 (PKHD1 ciliary IPT domain containing fibrocystin/polyductin; minus strand). Cytogenetic location: 6p12.3.
Variant type: single nucleotide variant.
Coding change: c.8678A>T on transcript NM_138694.4 (MANE Select); coding-DNA position 8678, A replaced by T.
Protein change: p.His2893Leu; replaces histidine 2893 with leucine.
Molecular consequence: missense variant.
Genome position (GRCh38, 1-based): chr6:51,754,903, T>A on the plus strand (A>T on the coding strand, the complement: PKHD1 is on the minus strand). VCF-style: chr6-51754903-T-A. GRCh37 (hg19) VCF-style: chr6-51619701-T-A.
Other names: c.8678A>T, p.His2893Leu (NM_170724.3); short protein forms H2893L.
Identifiers: ClinVar variation 4980892 (VCV004980892.1).
Genomic context (GRCh38, chr6:51,754,903, plus strand): 5'-ACAGTGAGGACCTCTGCTTCATGAGGCTCATAAGAAGAGGAGCTAAGGACTATTTTGTCA[T>A]GGGGGCGCCAATCCACTGCATCTTCTACTATAATTCTGTAACAGCATAACAATGGCATTG-3'
Protein context (NP_619639.3, residues 2883-2903): IVEDAVDWRP[His2893Leu]DKIVLSSSSY

ClinVar aggregate classification (germline): Uncertain significance (1 of 4 stars; one submission).

Conditions:
PKHD1-related disorder. Also called: PKHD1-related condition.

gnomAD v4.1: 8 of 1,613,626 alleles (0.0005%); highest among the groups gnomAD compares: Admixed American, 0.013%; no homozygotes.

Submission:

PreventionGenetics, part of Exact Sciences
Classification: Uncertain significance for PKHD1-related condition. Last evaluated: 2026-07-29. Review status: criteria provided, single submitter. Criteria: ACMG Guidelines, 2015. Collection method: clinical testing. Allele origin: germline.
Comment: The PKHD1 c.8678A>T variant is predicted to result in the amino acid substitution p.His2893Leu. To our knowledge, this variant has not been reported in the literature. This variant is reported in 0.017% of alleles in individuals of Latino descent in gnomAD. At this time, the clinical significance of this variant is uncertain due to the absence of conclusive functional and genetic evidence.